The following is an entry in ClinVar:

NM_005732.4(RAD50):c.3346C>T (p.Leu1116Phe)

Gene: RAD50 (RAD50 double strand break repair protein; plus strand). Cytogenetic location: 5q31.1.
Variant type: single nucleotide variant.
Coding change: c.3346C>T on transcript NM_005732.4 (MANE Select); coding-DNA position 3346, C replaced by T.
Protein change: p.Leu1116Phe; replaces leucine 1116 with phenylalanine.
Molecular consequence: missense variant.
Genome position (GRCh38, 1-based): chr5:132,618,251, C>T. VCF-style: chr5-132618251-C-T. GRCh37 (hg19) VCF-style: chr5-131953943-C-T.
Other names: short protein forms L1116F.
Identifiers: ClinVar variation 484716 (VCV000484716.7), dbSNP rs1554099886, ClinGen allele CA360964950.

ClinVar aggregate classification (germline): Uncertain significance. Review status: criteria provided, multiple submitters, no conflicts (2 of 4 stars). 2 submissions from 2 submitters: Uncertain significance (2). Last evaluated 2025-03-24.

Conditions:
Hereditary cancer-predisposing syndrome. Also called: Neoplastic Syndromes, Hereditary; Tumor predisposition; Hereditary Cancer Syndrome; Hereditary neoplastic syndrome. Identifiers: Orphanet 140162, MedGen C0027672, MeSH D009386, MONDO:0015356.

Submissions (2):

Labcorp Genetics (formerly Invitae), Labcorp
Classification: Uncertain significance for Hereditary cancer-predisposing syndrome. Last evaluated: 2025-03-24. Review status: criteria provided, single submitter. Criteria: Invitae Variant Classification Sherloc (09022015). Collection method: clinical testing. Allele origin: germline.
Comment: This sequence change replaces leucine, which is neutral and non-polar, with phenylalanine, which is neutral and non-polar, at codon 1116 of the RAD50 protein (p.Leu1116Phe). This variant is not present in population databases (gnomAD no frequency). This variant has not been reported in the literature in individuals affected with RAD50-related conditions. ClinVar contains an entry for this variant (Variation ID: 484716). Invitae Evidence Modeling of protein sequence and biophysical properties (such as structural, functional, and spatial information, amino acid conservation, physicochemical variation, residue mobility, and thermodynamic stability) indicates that this missense variant is expected to disrupt RAD50 protein function with a positive predictive value of 80%. In summary, the available evidence is currently insufficient to determine the role of this variant in disease. Therefore, it has been classified as a Variant of Uncertain Significance.

Ambry Genetics
Classification: Uncertain significance for Hereditary cancer-predisposing syndrome. Last evaluated: 2025-01-02. Review status: criteria provided, single submitter. Criteria: Ambry Variant Classification Scheme 2023. Collection method: clinical testing. Allele origin: germline.